The following continues an entry in ClinVar:

NM_205861.3(DHDDS):c.124A>G (p.Lys42Glu)

Gene: DHDDS. ClinVar aggregate classification (germline): Pathogenic. Pathogenic (18).

Submissions 11 to 22 of 22:

Broad Center for Mendelian Genomics, Broad Institute of MIT and Harvard
Classification: Pathogenic for Retinitis pigmentosa 59. Last evaluated: 2022-05-04. Review status: criteria provided, single submitter. Criteria: ACMG Guidelines, 2015. Collection method: curation. Allele origin: germline. Inheritance: Autosomal recessive inheritance.
Comment: The variant has been reported in at least 20 Ashkenazi Jewish individuals with retinitis pigmentosa, segregated with disease in 6 affected relatives from 5 families (PMID: 21295282, 21295283), and has been identified in 0.52% (54/10370) of Ashkenazi Jewish, 0.004% (5/129194) of European non-Finnish, and 0.003% (1/35440) of Latino chromosomes by the Genome Aggregation Database (gnomAD; dbSNP ID: rs147394623). This variant has also been reported in ClinVar (Variation ID: 30709) and has been interpreted as pathogenic by multiple labs. In vitro functional studies provide some evidence that the variant may slightly impact protein function (PMID: 25066056, 27343064). However, these types of assays may not accurately represent biological function. Computational prediction tools and conservation analyses do not provide strong support for or against an impact to the protein. The presence of this variant in at least 20 affected homozygotes with retinitis pigmentosa increases the likelihood that the variant is pathogenic (PMID: 21295282, 21295283, 28130426, 29276052, 25255364, 24078709). The p.Lys42Glu variant is located in a region of DHDDS that is essential to protein folding and stability, suggesting that this variant is in a functional domain and slightly supports pathogenicity (PMID: 21295283). In summary, this variant meets criteria to be classified as pathogenic for retinitis pigmentosa 59 in an autosomal recessive manner based on high allele frequency and disease cosegregation in a founder population, the predicted impact of the variant, and a high number of affected homozygotes. ACMG/AMP Criteria applied: PP1_strong, PM2, PS3_supporting, PM3, PM1_supporting (Richards 2015).

Ocular Genomics Institute, Massachusetts Eye and Ear
Classification: Pathogenic for Retinitis pigmentosa 59. Last evaluated: 2021-04-08. Review status: criteria provided, single submitter. Criteria: ACMG Guidelines, 2015. Collection method: research. Allele origin: germline. Affected: yes.
Comment: Through a review of available evidence we were able to apply the following criteria: PS3, PM2, PM3, PP1, PP5. Based on this evidence we have classified this variant as Pathogenic.

Broad Center for Mendelian Genomics, Broad Institute of MIT and Harvard
Classification: Pathogenic for Retinitis pigmentosa. Last evaluated: 2021-04-01. Review status: criteria provided, single submitter. Criteria: ACMG Guidelines, 2015. Collection method: curation. Allele origin: germline. Inheritance: Autosomal recessive inheritance. Affected: yes.
Comment: Through a review of available evidence we were able to apply the following criteria: PS3, PM2, PM3, PP1, PP5. Based on this evidence we have classified this variant as Pathogenic. If you have any questions about the classification please reach out to the Pierce Lab.

Myriad Genetics, Inc.
Classification: Pathogenic for Retinitis pigmentosa 59. Last evaluated: 2019-12-24. Review status: criteria provided, single submitter. Criteria: Myriad Women's Health Autosomal Recessive and X-Linked Classification Criteria (2019). Collection method: clinical testing. Allele origin: unknown.
Comment: NM_024887.3(DHDDS):c.124A>G(K42E) is classified as pathogenic in the context of retinitis pigmentosa type 59. Sources cited for classification include the following: PMID 22110072, 21295282, 24664694 and 27343064. Classification of NM_024887.3(DHDDS):c.124A>G(K42E) is based on the following criteria: This is a well-established pathogenic variant in the literature that has been observed more frequently in patients with clinical diagnoses than in healthy populations. Please note: this variant was assessed in the context of healthy population screening.

Mayo Clinic Laboratories, Mayo Clinic
Classification: Pathogenic. Last evaluated: 2019-05-14. Review status: criteria provided, single submitter. Criteria: ACMG Guidelines, 2015. Collection method: clinical testing. Allele origin: germline. Observed: 1 variant allele.
Comment: PS4, PS3, PP1

Laboratory for Molecular Medicine, Mass General Brigham Personalized Medicine
Classification: Pathogenic for Retinitis pigmentosa. Last evaluated: 2018-12-04. Review status: criteria provided, single submitter. Criteria: LMM Criteria. Collection method: clinical testing. Allele origin: germline. Inheritance: Autosomal recessive inheritance. Observed: 2 variant alleles.
Comment: The p.Lys42Glu variant in DHDDS has been identified in the homozygous or compoun d heterozygous state in greater than 30 individuals with retinitis pigmentosa an d segregated with disease in 6 affected relatives from 4 families (Zelinger 2011 , Zuchner 2011, Venturini 2014, Kimchi 2018). This variant has also been identif ied in 0.5% (54/10370) of Ashkenazi Jewish chromosomes by gnomAD (.) and is thought to be a founder variant in that population. T his variant has also been reported in ClinVar (Variation ID 30709). In summary, this variant meets criteria to be classified as pathogenic for autosomal recessi ve retinitis pigmentosa. ACMG/AMP Criteria applied: PM3_Very strong, PP1_Strong.

Illumina Laboratory Services, Illumina
Classification: Pathogenic for Retinitis pigmentosa. Last evaluated: 2018-10-24. Review status: criteria provided, single submitter. Criteria: ICSL Variant Classification Criteria 09 May 2019. Collection method: clinical testing. Allele origin: germline.
Comment: The DHDDS c.124A>G (p.Lys42Glu) missense variant has been reported in at least four studies in which it is found in a total of 35 Ashkenazi Jewish probands with retinitis pigmentosa including in 33 in a homozygous state, in one in a compound heterozygous state and in one in a heterozygous state (Zuchner et al. 2011; Zelinger et al. 2011; Wen et al. 2013; Venturini et al. 2015). When additional family members were available for testing, the p.Lys42Glu variant cosegregated with the disease in a pattern consistent with autosomal recessive inheritance, although most families assessed only included two generations (Zuchner et al. 2011; Zelinger et al. 2011). The p.Lys42Glu variant was absent from 12,870 non-Ashkenazi Jewish controls and was found in a heterozygous state in nine of 1,039 Ashkenazi Jewish controls. The variant is reported at a frequency of 0.005024 in the Ashkenazi Jewish population of the Genome Aggregation Database. Sharon et al. (2015) report the p.Lys42Glu variant to be the most common disease causing allele in the Jerusalem area with a frequency of 13.8%. The Lys42 position is conserved and affects a key residue in the active site of the enzyme. Based on the collective evidence, the p.Lys42Glu variant is classified as pathogenic for autosomal recessive retinitis pigmentosa. This variant was observed by ICSL as part of a predisposition screen in an ostensibly healthy population.

Women's Health and Genetics/Laboratory Corporation of America, LabCorp
Classification: Pathogenic for Retinitis pigmentosa 59. Last evaluated: 2016-07-14. Review status: criteria provided, single submitter. Criteria: LabCorp Variant Classification Summary - May 2015. Collection method: clinical testing. Allele origin: germline.
Comment: Variant summary: The DHDDS c.124A>G (p.Lys42Glu) variant located in close proximity to the catalytic center and the substrate binding site for farnesyl pyrophosphate phosphate (FPP of the enzyme) causes a missense change involving a conserved nucleotide with 3/4 in silico tools (SNPs&GO not captured due to low reliability index predict a damaging outcome ) predicting a "benign" outcome. However, functional studies conflict these with in silico predictions and show that K42E results in a 75% reduction in cis-PTase enzyme activity. This variant was found in 25/149220 control chromosomes at a frequency of 0.0001675, which does not exceed the estimated maximal expected allele frequency of a pathogenic DHDDS variant (0.0007906). Multiple publications cite the variant in affected individuals in a homozygous state, and it has been implicated as an Ashkenazi Jewish founder mutation for retinitis pigmentosa. In addition, multiple reputable databases/clinical laboratories cite the variant as "pathogenic." Taken together, the variant of interest has been classified as Pathogenic.

Reproductive Health Research and Development, BGI Genomics
Classification: Pathogenic for Retinitis pigmentosa 59. Last evaluated: 2020-01-06. Review status: no assertion criteria provided. Collection method: curation. Allele origin: germline. Not counted in ClinVar's aggregate classification.
Comment: NM_024887.3:c.124A>G in the DHDDS gene has an allele frequency of 0.005 in Ashkenazi Jewish subpopulation in the gnomAD database. Functional studies have shown that p.Lys42Glu (NM_024887.3:c.124A>G) results in a DHDDS protein with decreased enzyme activity (PMID: 25066056). Zelinger et al. repoted p.Lys42Glu homozygous in 15 Ashkenazi Jews patients with Retinitis pigmentosa, and the phenotypes cosegregates with genotypes (PMID: 21295282); In addition, Zuchner et al also reported a pedigree of a non-consanguineous family with three affected offspring, harboring the homozygous of this variant (PMID: 21295283).Taken together, we interprete this variant as Pathogenic/Likely pathogenic. ACMG/AMP criteria applied: PS3; PM3_Strong; PP1.

Sharon lab, Hadassah-Hebrew University Medical Center
Classification: Pathogenic for Retinitis pigmentosa. Last evaluated: 2019-06-23. Review status: no assertion criteria provided. Collection method: research. Allele origin: inherited. Affected: yes. Not counted in ClinVar's aggregate classification.

OMIM
Classification: Pathogenic for RETINITIS PIGMENTOSA 59. Last evaluated: 2011-02-11. Review status: no assertion criteria provided. Collection method: literature only. Allele origin: germline. Not counted in ClinVar's aggregate classification.

Department of Pathology and Laboratory Medicine, Sinai Health System
Classification: Likely pathogenic. Review status: no assertion criteria provided. Collection method: clinical testing. Allele origin: unknown. Affected: yes. Study: The Canadian Open Genetics Repository (COGR). Not counted in ClinVar's aggregate classification.
Comment: The DHDDS p.Lys42Glu variant is known as a founder mutation in the Ashkenazi Jewish population for autosomal recessive retinitis pigmentosa (Zuchner_2011_PMID:21295283; Venturinin_2013_PMID:25255364). A case study of a family of Ashkenazi Jewish origin identified three of the four siblings with early onset retinal degeneration caused by the homozygous K42E DHDDS variant (Lam_2014_PMID:24664694). The variant was identified in dbSNP (ID: rs147394623), ClinVar (classified as pathogenic by Counsyl, Integrated Genetics and Laboratory for Molecular Medicine, Partners HealthCare Personalized Medicine) and LOVD 3.0. The variant was also identified in 63 of 282892 chromosomes at a frequency of 0.000223 (Genome Aggregation Database Feb 27, 2017). The variant was observed in the following populations: Ashkenazi Jewish in 54 of 10370 chromosomes (freq: 0.005207), Other in 3 of 7228 chromosomes (freq: 0.000415), European (non-Finnish) in 5 of 129194 chromosomes (freq: 0.000039) and Latino in 1 of 35440 chromosomes (freq: 0.000028); it was not observed in the African, East Asian, European (Finnish) and South Asian populations. Functional studies have shown altered DHDDS functional, and patients homozygous or compound heterozygous for the K42E variant were found to have significantly higher plasma and urinary dolichol profiles compared to carrier and controls; carriers of the K42E variant also had higher levels than controls suggesting an additive effect (Sabry_2016_PMID:27343064; Wen_2013_PMID:24078709). The variant occurs outside of the splicing consensus sequence and in silico or computational prediction software programs (SpliceSiteFinder, MaxEntScan, NNSPLICE, GeneSplicer) do not predict a difference in splicing. The p.Lys42 residue is highly conserved in mammals but not in more distantly related organisms and computational analyses (PolyPhen-2, SIFT, AlignGVGD, BLOSUM, MutationTaster) provide inconsistent predictions regarding the impact to the protein; this information is not very predictive of pathogenicity. In summary, based on the above information the clinical significance of this variant cannot be determined with certainty at this time although we would lean towards a more pathogenic role for this variant. This variant is classified as likely pathogenic.

Literature cited by the submitters: PubMed 21295282 (cited by 11 submitters); PubMed 21295283 (cited by 8 submitters); PubMed 24664694 (cited by 4 submitters); PubMed 28130426 (cited by 4 submitters); PubMed 25066056 (cited by Labcorp Genetics (formerly Invitae), Labcorp and Variantyx, Inc.); PubMed 24078709 (cited by 6 submitters); PubMed 28542158 (cited by Variantyx, Inc. and Mayo Clinic Laboratories, Mayo Clinic); PubMed 27343064 (cited by 4 submitters); PubMed 29100083 (cited by Victorian Clinical Genetics Services, Murdoch Childrens Research Institute); PubMed 33077723 (cited by Victorian Clinical Genetics Services, Murdoch Childrens Research Institute); PubMed 34382076 (cited by Victorian Clinical Genetics Services, Murdoch Childrens Research Institute); PubMed 25255364 (cited by 4 submitters); PubMed 34906470 (cited by Broad Center for Mendelian Genomics, Broad Institute of MIT and Harvard); PubMed 22110072 (cited by Myriad Genetics, Inc.); PubMed 25541840 (cited by Mayo Clinic Laboratories, Mayo Clinic); PubMed 28559085 (cited by Mayo Clinic Laboratories, Mayo Clinic); PubMed 29276052 (cited by Mayo Clinic Laboratories, Mayo Clinic and Laboratory for Molecular Medicine, Mass General Brigham Personalized Medicine); PubMed 26261414 (cited by Mayo Clinic Laboratories, Mayo Clinic and Illumina Laboratory Services, Illumina); PubMed 23590195 (cited by Mayo Clinic Laboratories, Mayo Clinic).